The following is an entry in ClinVar:

NM_001206979.2(NR1H4):c.80-7328G>A

Gene: NR1H4 (nuclear receptor subfamily 1 group H member 4; plus strand). Cytogenetic location: 12q23.1.
Variant type: single nucleotide variant.
Coding change: c.80-7328G>A on transcript NM_001206979.2 (MANE Select); 7328 bases into the intron before coding-DNA position 80, G replaced by A.
Molecular consequence: intron variant. On other transcripts: synonymous variant (2).
Genome position (GRCh38, 1-based): chr12:100,503,450, G>A. VCF-style: chr12-100503450-G-A. GRCh37 (hg19) VCF-style: chr12-100897228-G-A.
Other names: c.63G>A, p.Thr21= (NM_001206992.2, NM_001206993.2); c.80-7328G>A (NM_001206977.2, NM_005123.4, NM_001206978.2).
Identifiers: ClinVar variation 3036545 (VCV003036545.2), dbSNP rs1282014472, ClinGen allele CA481487240.

ClinVar aggregate classification (germline): Likely benign (0 of 4 stars; one submission).

Conditions:
NR1H4-related disorder. Also called: NR1H4-related condition.

Allele frequency attached by ClinVar (database versions not stated): gnomAD 0.00001; gnomAD exomes 0.00001; TOPMed 0.00001.
gnomAD v4.1: 14 of 1,597,438 alleles (0.00088%); highest among the groups gnomAD compares: East Asian, 0.0045%; no homozygotes.

Submission:

PreventionGenetics, part of Exact Sciences
Classification: Likely benign for NR1H4-related condition. Last evaluated: 2021-04-06. Review status: no assertion criteria provided. Collection method: clinical testing. Allele origin: germline.
Comment: This variant is classified as likely benign based on ACMG/AMP sequence variant interpretation guidelines (Richards et al. 2015 PMID: 25741868, with internal and published modifications).